The following is an entry in ClinVar:

ClinVar aggregate classification (germline): Likely benign. Review status: criteria provided, multiple submitters, no conflicts (2 of 4 stars). 5 submissions from 5 submitters: Likely benign (3). 2 of the submissions do not count toward it. Last evaluated 2026-04-01.

Conditions:
CDK12-related disorder. Also called: CDK12-related condition.
Hereditary breast ovarian cancer syndrome. Also called: Hereditary breast and ovarian cancer syndrome (HBOC); Hereditary breast and ovarian cancer; Hereditary breast and ovarian cancer syndrome; Breast and ovarian cancer; Hereditary breast and/or ovarian cancer syndrome; BRCA1- and BRCA2-Associated Hereditary Breast and Ovarian Cancer. Identifiers: Orphanet 145, MedGen C0677776, MeSH D061325, MONDO:0003582. Disease mechanism: loss of function.

Allele frequency attached by ClinVar (database versions not stated): gnomAD exomes 0.00021 and 0.00062; ExAC 0.00079; ESP Exome Variant Server 0.00208; 1000 Genomes Project 30x 0.00250; gnomAD 0.00256 and 0.00279; 1000 Genomes Project 0.00260; TOPMed 0.00283.
gnomAD v4.1: 715 of 1,613,708 alleles (0.044%); highest among the groups gnomAD compares: African/African-American, 0.83%; 4 homozygotes.

Submissions (5):

CeGaT Center for Human Genetics Tuebingen
Classification: Likely benign. Last evaluated: 2026-04-01. Review status: criteria provided, single submitter. Criteria: CeGaT Center For Human Genetics Tuebingen Variant Classification Criteria Version 2. Collection method: clinical testing. Allele origin: germline. Affected: yes. Observed: 1 variant allele.
Comment: CDK12: BP4, BP7

Ambry Genetics
Classification: Likely benign. Last evaluated: 2024-10-04. Review status: criteria provided, single submitter. Criteria: Ambry Variant Classification Scheme 2023. Collection method: clinical testing. Allele origin: germline.

National Health Laboratory Service, Universitas Academic Hospital and University of the Free State
Classification: Likely benign for Hereditary breast ovarian cancer syndrome. Last evaluated: 2022-04-19. Review status: criteria provided, single submitter. Criteria: ACMG Guidelines, 2015. Collection method: clinical testing. Allele origin: germline. Affected: yes. Observed: 1 variant allele.

PreventionGenetics, part of Exact Sciences
Classification: Benign for CDK12-related condition. Last evaluated: 2019-03-15. Review status: no assertion criteria provided. Collection method: clinical testing. Allele origin: germline. Not counted in ClinVar's aggregate classification.
Comment: This variant is classified as benign based on ACMG/AMP sequence variant interpretation guidelines (Richards et al. 2015 PMID: 25741868, with internal and published modifications).

ITMI
No classification provided. Condition: AllHighlyPenetrant. Last evaluated: 2013-09-19. Review status: no classification provided. Collection method: reference population. Allele origin: germline. Not counted in ClinVar's aggregate classification.
Comment: Please see associated publication for description of ethnicities

Literature cited by the submitters: PubMed 24728327 (cited by ITMI).

NM_016507.4(CDK12):c.2964C>T (p.Phe988=)

Gene: CDK12 (cyclin dependent kinase 12; plus strand). Cytogenetic location: 17q12.
Variant type: single nucleotide variant.
Coding change: c.2964C>T on transcript NM_016507.4 (MANE Select); coding-DNA position 2964, C replaced by T.
Protein change: p.Phe988=; no amino-acid change (phenylalanine 988 retained).
Molecular consequence: synonymous variant.
Genome position (GRCh38, 1-based): chr17:39,519,956, C>T. VCF-style: chr17-39519956-C-T. GRCh37 (hg19) VCF-style: chr17-37676209-C-T.
Other names: NP_057591.2:p.Phe988=; c.2964C>T, p.Phe988= (NM_015083.4); c.2964C>T (NM_016507.3, NM_016507.2).
Identifiers: ClinVar variation 133856 (VCV000133856.7), dbSNP rs61747413, ClinGen allele CA157992.